The following is an entry in ClinVar:

ClinVar aggregate classification (germline): Likely pathogenic (0 of 4 stars; one submission).

Conditions:
GRXCR1-related disorder. Also called: GRXCR1-related condition.

Submission:

PreventionGenetics, part of Exact Sciences
Classification: Likely pathogenic for GRXCR1-related condition. Last evaluated: 2024-06-03. Review status: no assertion criteria provided. Collection method: clinical testing. Allele origin: germline.
Comment: The GRXCR1 c.169delG variant is predicted to result in a frameshift and premature protein termination (p.Asp57Ilefs*10). To our knowledge, this variant has not been reported in the literature or in a large population database, indicating this variant is rare. Frameshift variants in GRXCR1 are expected to be pathogenic. This variant is interpreted as likely pathogenic.

NM_001080476.3(GRXCR1):c.169del (p.Asp57fs)

Gene: GRXCR1 (glutaredoxin and cysteine rich domain containing 1; plus strand). Cytogenetic location: 4p13.
Variant type: Deletion.
Coding change: c.169del on transcript NM_001080476.3 (MANE Select); coding-DNA position 169, one base deleted (G; older notation c.169delG).
Protein change: p.Asp57fs; shifts the reading frame from aspartic acid 57.
Molecular consequence: frameshift variant.
Genome position (GRCh38, 1-based): chr4:42,893,435, G deleted. VCF-style (leftmost placement, unchanged base first): chr4-42893434-TG-T. GRCh37 (hg19) VCF-style: chr4-42895451-TG-T.
Other names: short protein forms D57fs.
Identifiers: ClinVar variation 3347669 (VCV003347669.1).